The following is an entry in ClinVar:

NC_000011.10:g.7963947A>C

Gene: NLRP10 (NLR family pyrin domain containing 10; minus strand). Cytogenetic location: 11p15.4.
Variant type: single nucleotide variant.
Genome position: GRCh38 VCF-style: chr11-7963947-A-C. GRCh37 (hg19) VCF-style: chr11-7985494-A-C.
Identifiers: ClinVar variation 102952 (VCV000102952.2), dbSNP rs199475851, ClinGen allele CA229915.

ClinVar aggregate classification (germline): not provided (0 of 4 stars; one submission).

Allele frequency attached by ClinVar (database versions not stated): gnomAD 0.00036 and 0.00041; TOPMed 0.00042; 1000 Genomes Project 0.00100; 1000 Genomes Project 30x 0.00109.
gnomAD v4.1: 56 of 152,164 alleles (0.037%); highest among the groups gnomAD compares: African/African-American, 0.12%; 1 homozygote.

Submission:

Human Evolutionary Genetics, Institut Pasteur
No classification provided. Review status: no classification provided. Collection method: not provided. Allele origin: germline.
ClinVar note: Converted during submission from untested to not provided.